The following is an entry in ClinVar:

ClinVar aggregate classification (germline): Conflicting classifications of pathogenicity. Review status: criteria provided, conflicting classifications (1 of 4 stars). 4 submissions from 3 submitters: Uncertain significance (2); Likely benign (1). 1 of the submissions does not count toward it. Last evaluated 2025-01-15.

Conditions:
Developmental and epileptic encephalopathy, 12 (DEE12). Identifiers: MedGen C3150988, MONDO:0013389, OMIM 613722.

Submissions (4):

Labcorp Genetics (formerly Invitae), Labcorp
Classification: Uncertain significance for Developmental and epileptic encephalopathy, 12. Last evaluated: 2025-01-15. Review status: criteria provided, single submitter. Criteria: Invitae Variant Classification Sherloc (09022015). Collection method: clinical testing. Allele origin: germline.
Comment: This sequence change falls in intron 15 of the PNKP gene. It does not directly change the encoded amino acid sequence of the PNKP protein. This variant is present in population databases (rs760066611, gnomAD 0.01%). This variant has not been reported in the literature in individuals affected with PNKP-related conditions. ClinVar contains an entry for this variant (Variation ID: 206375). Algorithms developed to predict the effect of sequence changes on RNA splicing suggest that this variant may disrupt the consensus splice site. In summary, the available evidence is currently insufficient to determine the role of this variant in disease. Therefore, it has been classified as a Variant of Uncertain Significance.

Blueprint Genetics
Classification: Uncertain significance. Last evaluated: 2024-10-24. Review status: criteria provided, single submitter. Criteria: ACMG Guidelines, 2015. Collection method: clinical testing. Allele origin: germline.

GeneDx
Classification: Likely benign. Last evaluated: 2015-03-03. Review status: criteria provided, single submitter. Criteria: GeneDx Variant Classification Process June 2021. Collection method: clinical testing. Allele origin: germline. Affected: yes.

GeneDx
Classification: Benign. Last evaluated: 2014-03-31. Review status: flagged submission. Criteria: GeneDx Variant Classification (06012015). Collection method: clinical testing. Allele origin: germline. Affected: yes. Not counted in ClinVar's aggregate classification.
Comment: The variant is found in CHILD-EPI panel(s).
ClinVar note: Reason: This record appears to be redundant with a more recent record from the same submitter.
ClinVar note: Notes: SCV000242030 appears to be redundant with SCV001887184.

NM_007254.4(PNKP):c.1387-3_1387-2del

Gene: PNKP (polynucleotide kinase 3'-phosphatase; minus strand). Cytogenetic location: 19q13.33.
Variant type: Microsatellite.
Coding change: c.1387-3_1387-2del on transcript NM_007254.4 (MANE Select); 3 bases into the intron before coding-DNA position 1387 through the canonical splice acceptor site of the intron before coding-DNA position 1387, 2 bases deleted (CA; older notation c.1387-3_1387-2delCA).
Molecular consequence: splice acceptor variant.
Genome position (GRCh38, 1-based): chr19:49,861,512-49,861,513, TG deleted on the plus strand (CA on the coding strand, the reverse complement: PNKP is on the minus strand); deleting any 2 consecutive bases within chr19:49,861,512-49,861,515 gives the same sequence; the c. name uses the placement nearest the transcript's 3' end. VCF-style (leftmost placement, unchanged base first): chr19-49861511-CTG-C. GRCh37 (hg19) VCF-style: chr19-50364768-CTG-C.
Other names: c.1387-3_1387-2delCA (NM_007254.3, NM_007254.2).
Identifiers: ClinVar variation 206375 (VCV000206375.13), dbSNP rs760066611, ClinGen allele CA316435.